The following is an entry in ClinVar:

NM_001267550.2(TTN):c.5486C>T (p.Thr1829Ile)

Gene: TTN (titin; minus strand). Cytogenetic location: 2q31.2.
Variant type: single nucleotide variant.
Coding change: c.5486C>T on transcript NM_001267550.2 (MANE Select); coding-DNA position 5486, C replaced by T.
Protein change: p.Thr1829Ile; replaces threonine 1829 with isoleucine.
Molecular consequence: missense variant.
Genome position (GRCh38, 1-based): chr2:178,776,378, G>A on the plus strand (C>T on the coding strand, the complement: TTN is on the minus strand). VCF-style: chr2-178776378-G-A. GRCh37 (hg19) VCF-style: chr2-179641105-G-A.
Other names: c.5486C>T, p.Thr1829Ile (NM_001256850.1, NM_133378.4, NM_133379.5); c.5348C>T, p.Thr1783Ile (NM_003319.4, NM_133432.3, NM_133437.4); short protein forms T1829I, T1783I.
Identifiers: ClinVar variation 3812319 (VCV003812319.1).

ClinVar aggregate classification (germline): Uncertain significance (1 of 4 stars; one submission).

Conditions:
Cardiovascular phenotype. Identifiers: MedGen CN230736.

gnomAD v4.1: 6 of 1,613,102 alleles (0.00037%); highest among the groups gnomAD compares: Non-Finnish European, 0.00034%; no homozygotes.

Submission:

Ambry Genetics
Classification: Uncertain significance for Cardiovascular phenotype. Last evaluated: 2025-02-12. Review status: criteria provided, single submitter. Criteria: Ambry Variant Classification Scheme 2023. Collection method: clinical testing. Allele origin: germline.
Comment: Unlikely to be causative of TTN-related dilated cardiomyopathy (AD). Based on insufficient or conflicting evidence, the clinical significance of this alteration remains unclear.